The following is an entry in ClinVar:

NM_004463.3(FGD1):c.437A>G (p.Gln146Arg)

Gene: FGD1 (FYVE, RhoGEF and PH domain containing 1; minus strand). Cytogenetic location: Xp11.22.
Variant type: single nucleotide variant.
Coding change: c.437A>G on transcript NM_004463.3 (MANE Select); coding-DNA position 437, A replaced by G.
Protein change: p.Gln146Arg; replaces glutamine 146 with arginine.
Molecular consequence: missense variant.
Genome position (GRCh38, 1-based): chrX:54,471,358, T>C on the plus strand (A>G on the coding strand, the complement: FGD1 is on the minus strand). VCF-style: chrX-54471358-T-C. GRCh37 (hg19) VCF-style: chrX-54497791-T-C.
Other names: short protein forms Q146R.
Identifiers: ClinVar variation 804013 (VCV000804013.2), dbSNP rs1029761293, ClinGen allele CA328938475.

ClinVar aggregate classification (germline): Uncertain significance. Review status: criteria provided, multiple submitters, no conflicts (2 of 4 stars). 2 submissions from 2 submitters: Uncertain significance (2). Last evaluated 2025-06-12.

Conditions:
Aarskog syndrome (AAS). Also called: Aarskog-Scott syndrome, X-linked; FGD1-Related Faciogenital Dysplasia (Aarskog-Scott Syndrome); FGDY; Aarskog Scott syndrome; Aarskog disease. Identifiers: Orphanet 915, MedGen C0175701, MONDO:0010589, OMIM 305400.

Submissions (2):

Labcorp Genetics (formerly Invitae), Labcorp
Classification: Uncertain significance. Last evaluated: 2025-06-12. Review status: criteria provided, single submitter. Criteria: Invitae Variant Classification Sherloc (09022015). Collection method: clinical testing. Allele origin: germline.
Comment: This sequence change replaces glutamine, which is neutral and polar, with arginine, which is basic and polar, at codon 146 of the FGD1 protein (p.Gln146Arg). This variant is not present in population databases (gnomAD no frequency). This variant has not been reported in the literature in individuals affected with FGD1-related conditions. ClinVar contains an entry for this variant (Variation ID: 804013). Invitae Evidence Modeling of protein sequence and biophysical properties (such as structural, functional, and spatial information, amino acid conservation, physicochemical variation, residue mobility, and thermodynamic stability) indicates that this missense variant is not expected to disrupt FGD1 protein function with a negative predictive value of 95%. In summary, the available evidence is currently insufficient to determine the role of this variant in disease. Therefore, it has been classified as a Variant of Uncertain Significance.

Mendelics
Classification: Uncertain significance for Aarskog syndrome. Last evaluated: 2019-05-28. Review status: criteria provided, single submitter. Criteria: Mendelics Assertion Criteria 2017. Collection method: clinical testing. Allele origin: unknown.